The following is an entry in ClinVar:

NM_001005242.3(PKP2):c.1379-1899A>G

Gene: PKP2 (plakophilin 2; minus strand). Cytogenetic location: 12p11.21.
Variant type: single nucleotide variant.
Coding change: c.1379-1899A>G on transcript NM_001005242.3 (MANE Select); 1899 bases into the intron before coding-DNA position 1379, A replaced by G.
Molecular consequence: intron variant.
Genome position (GRCh38, 1-based): chr12:32,843,104, T>C on the plus strand (A>G on the coding strand, the complement: PKP2 is on the minus strand). VCF-style: chr12-32843104-T-C. GRCh37 (hg19) VCF-style: chr12-32996038-T-C.
Other names: c.1510+78A>G (NM_004572.4).
Identifiers: ClinVar variation 670936 (VCV000670936.2), dbSNP rs112877700, ClinGen allele CA13645554.

ClinVar aggregate classification (germline): Benign. Review status: criteria provided, multiple submitters, no conflicts (2 of 4 stars). 2 submissions from 2 submitters: Benign (2). Last evaluated 2018-06-18.

Allele frequency attached by ClinVar (database versions not stated): 1000 Genomes Project 30x 0.09978; 1000 Genomes Project 0.09984; TOPMed 0.14337; gnomAD 0.15257 and 0.15423; gnomAD exomes 0.16980.
gnomAD v4.1: 62,847 of 385,606 alleles (16%); highest among the groups gnomAD compares: Non-Finnish European, 20%; 5,729 homozygotes.

Submissions (2):

GeneDx
Classification: Benign. Last evaluated: 2018-06-18. Review status: criteria provided, single submitter. Criteria: GeneDx Variant Classification (06012015). Collection method: clinical testing. Allele origin: germline. Affected: yes.
Comment: This variant is considered likely benign or benign based on one or more of the following criteria: it is a conservative change, it occurs at a poorly conserved position in the protein, it is predicted to be benign by multiple in silico algorithms, and/or has population frequency not consistent with disease.

Breakthrough Genomics
Classification: Benign. Review status: criteria provided, single submitter. Criteria: ACMG Guidelines, 2015. Collection method: not provided. Allele origin: germline. Inheritance: Autosomal dominant inheritance. Affected: yes.